The following is an entry in ClinVar:

ClinVar aggregate classification (germline): Uncertain significance. Review status: criteria provided, multiple submitters, no conflicts (2 of 4 stars). 3 submissions from 3 submitters: Uncertain significance (3). Last evaluated 2025-07-31.

Conditions:
Myopathy, proximal, and ophthalmoplegia (CMYO6). Also called: MYOPATHY WITH CONGENITAL JOINT CONTRACTURES, OPHTHALMOPLEGIA, AND RIMMED VACUOLES; INCLUSION BODY MYOPATHY 3, AUTOSOMAL DOMINANT; CONGENITAL MYOPATHY 6 WITH OPHTHALMOPLEGIA. Identifiers: Orphanet 363677, Orphanet 79091, MedGen C1854106, MONDO:0011577, OMIM 605637.
Inborn genetic diseases. Identifiers: MedGen C0950123, MeSH D030342.

Allele frequency attached by ClinVar (database versions not stated): gnomAD 0.00002; gnomAD exomes 0.00005 and 0.00012; TOPMed 0.00005; ExAC 0.00007.
gnomAD v4.1: 36 of 1,614,034 alleles (0.0022%); highest among the groups gnomAD compares: Admixed American, 0.058%; no homozygotes.

Submissions (3):

Labcorp Genetics (formerly Invitae), Labcorp
Classification: Uncertain significance for Myopathy, proximal, and ophthalmoplegia. Last evaluated: 2025-07-31. Review status: criteria provided, single submitter. Criteria: Invitae Variant Classification Sherloc (09022015). Collection method: clinical testing. Allele origin: germline.
Comment: This sequence change replaces serine, which is neutral and polar, with threonine, which is neutral and polar, at codon 1516 of the MYH2 protein (p.Ser1516Thr). This variant is present in population databases (rs778405343, gnomAD 0.08%). This variant has not been reported in the literature in individuals affected with MYH2-related conditions. ClinVar contains an entry for this variant (Variation ID: 534349). Invitae Evidence Modeling of protein sequence and biophysical properties (such as structural, functional, and spatial information, amino acid conservation, physicochemical variation, residue mobility, and thermodynamic stability) indicates that this missense variant is not expected to disrupt MYH2 protein function with a negative predictive value of 80%. In summary, the available evidence is currently insufficient to determine the role of this variant in disease. Therefore, it has been classified as a Variant of Uncertain Significance.

Ambry Genetics
Classification: Uncertain significance for Inborn genetic diseases. Last evaluated: 2025-01-22. Review status: criteria provided, single submitter. Criteria: Ambry Variant Classification Scheme 2023. Collection method: clinical testing. Allele origin: germline.

Fulgent Genetics
Classification: Uncertain significance for Myopathy, proximal, and ophthalmoplegia. Last evaluated: 2018-10-31. Review status: criteria provided, single submitter. Criteria: ACMG Guidelines, 2015. Collection method: clinical testing. Allele origin: unknown.

NM_017534.6(MYH2):c.4546T>A (p.Ser1516Thr)

Genes: MYHAS (myosin heavy chain gene cluster antisense RNA; plus strand), MYH2 (myosin heavy chain 2; minus strand), LOC126862500 (BRD4-independent group 4 enhancer GRCh37_chr17:10427829-10429028; plus strand). Cytogenetic location: 17p13.1.
Variant type: single nucleotide variant.
Coding change: c.4546T>A on transcript NM_017534.6 (MANE Select); coding-DNA position 4546, T replaced by A.
Protein change: p.Ser1516Thr; replaces serine 1516 with threonine.
Molecular consequence: missense variant.
Genome position (GRCh38, 1-based): chr17:10,525,340, A>T on the plus strand (T>A on the coding strand, the complement: MYH2 is on the minus strand). VCF-style: chr17-10525340-A-T. GRCh37 (hg19) VCF-style: chr17-10428657-A-T.
Other names: c.4546T>A, p.Ser1516Thr (NM_001100112.2); short protein forms S1516T.
Identifiers: ClinVar variation 534349 (VCV000534349.10), dbSNP rs778405343, ClinGen allele CA8390597.